The following is an entry in ClinVar:

NM_001267550.2(TTN):c.103336del (p.Ser34446fs)

Genes: TTN (titin; minus strand), TTN-AS1 (TTN antisense RNA 1; plus strand). Cytogenetic location: 2q31.2.
Variant type: Deletion.
Coding change: c.103336del on transcript NM_001267550.2 (MANE Select); coding-DNA position 103336, one base deleted (A; older notation c.103336delA).
Protein change: p.Ser34446fs; shifts the reading frame from serine 34446.
Molecular consequence: frameshift variant.
Genome position (GRCh38, 1-based): chr2:178,533,279, T deleted on the plus strand (A on the coding strand, the reverse complement: TTN is on the minus strand). VCF-style (leftmost placement, unchanged base first): chr2-178533278-CT-C. GRCh37 (hg19) VCF-style: chr2-179398005-CT-C.
Other names: c.98413del, p.Ser32805fs (NM_001256850.1); c.76141del, p.Ser25381fs (NM_003319.4); c.95632del, p.Ser31878fs (NM_133378.4); c.76516del, p.Ser25506fs (NM_133432.3); c.76717del, p.Ser25573fs (NM_133437.4); c.103336delA (NM_001267550.2); short protein forms S25506fs, S32805fs, S25381fs, S25573fs, S31878fs, S34446fs.
Identifiers: ClinVar variation 534964 (VCV000534964.1), dbSNP rs1553491793, ClinGen allele CA658795985.
Genomic context (GRCh38, chr2:178,533,278, plus strand): 5'-TTACTCTTGAATTCCTGTTTCTTGTACCTCAGGCGTTCCACTTGTAGGTGAGCCTGGCAG[CT>C]GGTGGACCCAGCTGTGTTAGTGGCTGTGACTCTATAATAACCCGTGTCTTCAGGCAAAGT-3'

ClinVar aggregate classification (germline): Likely pathogenic (1 of 4 stars; one submission).

Conditions:
Autosomal recessive limb-girdle muscular dystrophy type 2J (LGMDR10). Also called: Limb-girdle muscular dystrophy, type 2J; MUSCULAR DYSTROPHY, LIMB-GIRDLE, AUTOSOMAL RECESSIVE 10. Identifiers: Orphanet 140922, MedGen C1837342, MONDO:0012127, OMIM 608807.
Dilated cardiomyopathy 1G (CMD1G). Identifiers: Orphanet 154, MedGen C1858763, MONDO:0011400, OMIM 604145.

Submission:

Labcorp Genetics (formerly Invitae), Labcorp
Classification: Likely pathogenic for Dilated cardiomyopathy 1G; Autosomal recessive limb-girdle muscular dystrophy type 2J. Last evaluated: 2017-08-17. Review status: criteria provided, single submitter. Criteria: Invitae Variant Classification Sherloc (09022015). Collection method: clinical testing. Allele origin: germline.
Comment: This sequence change results in a premature translational stop signal in the TTN gene (p.Ser34446Alafs*11). While this is not anticipated to result in nonsense mediated decay, it is expected to disrupt the last 1546 amino acids of the TTN protein. This variant is not present in population databases (ExAC no frequency). This variant is found in the M-band of this gene. While this particular variant has not been reported in the literature, truncating variants in the M-band of TTN previously reported in patients affected with various forms of myopathy and muscular dystrophy (PMID: 18948003, 23975875, 24395473). For these reasons, this variant has been classified as Likely Pathogenic.

Literature cited by the submitters: PubMed 23975875; PubMed 24395473; PubMed 18948003.